The following is an entry in ClinVar:

ClinVar aggregate classification (germline): Uncertain significance (1 of 4 stars; one submission).

Conditions:
Combined immunodeficiency due to LRBA deficiency. Also called: Common variable immunodeficiency 8, with autoimmunity. Identifiers: Orphanet 445018, MedGen C3553512, MONDO:0013863, OMIM 614700.

Allele frequency attached by ClinVar (database versions not stated): gnomAD exomes below 0.00001.
gnomAD v4.1: 2 of 1,613,192 alleles (0.00012%); highest among the groups gnomAD compares: South Asian, 0.0011%; no homozygotes.

Submission:

Neuberg Centre For Genomic Medicine, NCGM
Classification: Uncertain significance for Combined immunodeficiency due to LRBA deficiency. Review status: criteria provided, single submitter. Criteria: ACMG Guidelines, 2015. Collection method: clinical testing. Allele origin: germline. Inheritance: Autosomal recessive inheritance. Affected: yes.
Comment: The missense variant in c.7031C>T(p.Ser2344Phe) in LRBA gene has not been reported previously as a pathogenic variant nor as a benign variant, to our knowledge. The p.Ser2344Phe variant is novel (not in any individuals) in gnomAD Exomes and 1000 Genomes. The amino acid Ser at position 2344 is changed to a Phe changing protein sequence and it might alter its composition and physico-chemical properties. The residue is conserved across species. The amino acid change p.Ser2344Phe in LRBA is predicted as conserved by GERP++ and PhyloP across 100 vertebrates. For these reasons, this variant has been classified as Uncertain Significance.

NM_001364905.1(LRBA):c.6998C>T (p.Ser2333Phe)

Gene: LRBA (LPS responsive beige-like anchor protein; minus strand). Cytogenetic location: 4q31.3.
Variant type: single nucleotide variant.
Coding change: c.6998C>T on transcript NM_001364905.1 (MANE Select); coding-DNA position 6998, C replaced by T.
Protein change: p.Ser2333Phe; replaces serine 2333 with phenylalanine.
Molecular consequence: missense variant.
Genome position (GRCh38, 1-based): chr4:150,435,632, G>A on the plus strand (C>T on the coding strand, the complement: LRBA is on the minus strand). VCF-style: chr4-150435632-G-A. GRCh37 (hg19) VCF-style: chr4-151356784-G-A.
Other names: c.6998C>T, p.Ser2333Phe (NM_001199282.3, NM_001367550.1); c.7031C>T, p.Ser2344Phe (NM_006726.5); short protein forms S2344F, S2333F.
Identifiers: ClinVar variation 2585212 (VCV002585212.1), dbSNP rs2546332475, ClinGen allele CA358600083.